The following is an entry in ClinVar:

ClinVar aggregate classification (germline): Uncertain significance. Review status: criteria provided, multiple submitters, no conflicts (2 of 4 stars). 3 submissions from 3 submitters: Uncertain significance (3). Last evaluated 2025-04-09.

Conditions:
Cardiovascular phenotype. Identifiers: MedGen CN230736.
Cholestanol storage disease (CTX). Also called: Cerebrotendinous Xanthomatosis; CEREBRAL CHOLESTERINOSIS; CTX: Cerebrotendinous xanthomatosis. Identifiers: Orphanet 909, MedGen C0238052, MONDO:0008948, OMIM 213700.

Allele frequency attached by ClinVar (database versions not stated): gnomAD 0.00002; gnomAD exomes 0.00002; TOPMed 0.00002; ExAC 0.00004.
gnomAD v4.1: 35 of 1,614,062 alleles (0.0022%); highest among the groups gnomAD compares: East Asian, 0.074%; no homozygotes.

Submissions (3):

Ambry Genetics
Classification: Uncertain significance for Cardiovascular phenotype. Last evaluated: 2025-04-09. Review status: criteria provided, single submitter. Criteria: Ambry Variant Classification Scheme 2023. Collection method: clinical testing. Allele origin: germline.
Comment: The p.K123T variant (also known as c.368A>C), located in coding exon 2 of the CYP27A1 gene, results from an A to C substitution at nucleotide position 368. The lysine at codon 123 is replaced by threonine, an amino acid with similar properties. This amino acid position is well conserved in available vertebrate species. In addition, the in silico prediction for this alteration is inconclusive. Based on the available evidence, the clinical significance of this variant remains unclear.

Labcorp Genetics (formerly Invitae), Labcorp
Classification: Uncertain significance for Cholestanol storage disease. Last evaluated: 2022-07-26. Review status: criteria provided, single submitter. Criteria: Invitae Variant Classification Sherloc (09022015). Collection method: clinical testing. Allele origin: germline.
Comment: This sequence change replaces lysine, which is basic and polar, with threonine, which is neutral and polar, at codon 123 of the CYP27A1 protein (p.Lys123Thr). This variant is present in population databases (rs778424069, gnomAD 0.02%). This variant has not been reported in the literature in individuals affected with CYP27A1-related conditions. ClinVar contains an entry for this variant (Variation ID: 896056). Advanced modeling of protein sequence and biophysical properties (such as structural, functional, and spatial information, amino acid conservation, physicochemical variation, residue mobility, and thermodynamic stability) performed at Invitae indicates that this missense variant is not expected to disrupt CYP27A1 protein function. In summary, the available evidence is currently insufficient to determine the role of this variant in disease. Therefore, it has been classified as a Variant of Uncertain Significance.

Illumina Laboratory Services, Illumina
Classification: Uncertain significance for Cholestanol storage disease. Last evaluated: 2018-01-13. Review status: criteria provided, single submitter. Criteria: ICSL Variant Classification Criteria 13 December 2019. Collection method: clinical testing. Allele origin: germline.

NM_000784.4(CYP27A1):c.368A>C (p.Lys123Thr)

Gene: CYP27A1 (cytochrome P450 family 27 subfamily A member 1; plus strand). Cytogenetic location: 2q35.
Variant type: single nucleotide variant.
Coding change: c.368A>C on transcript NM_000784.4 (MANE Select); coding-DNA position 368, A replaced by C.
Protein change: p.Lys123Thr; replaces lysine 123 with threonine.
Molecular consequence: missense variant.
Genome position (GRCh38, 1-based): chr2:218,809,689, A>C. VCF-style: chr2-218809689-A-C. GRCh37 (hg19) VCF-style: chr2-219674412-A-C.
Other names: short protein forms K123T.
Identifiers: ClinVar variation 896056 (VCV000896056.7), dbSNP rs778424069, ClinGen allele CA2112575.